The following is an entry in ClinVar:

ClinVar aggregate classification (germline): Uncertain significance (1 of 4 stars; one submission).

Conditions:
Retinitis pigmentosa 77 (RP77). Identifiers: MedGen C4310626, MONDO:0015013, OMIM 617304.

Submission:

3billion
Classification: Uncertain significance for Retinitis pigmentosa 77. Last evaluated: 2024-07-25. Review status: criteria provided, single submitter. Criteria: ACMG Guidelines, 2015. Collection method: clinical testing. Allele origin: germline. Affected: yes.
Comment: The variant is observed at an extremely low frequency in the gnomAD v4.0.0 dataset (total allele frequency: <0.001%). Predicted Consequence/Location: The majority of the known disease-causing variants of this gene are variants expected to result in premature termination of the protein. In silico tool predictions suggest damaging effect of the variant on gene or gene product [REVEL: 0.91 (>=0.6, sensitivity 0.68 and specificity 0.92); 3Cnet: 0.85 (>=0.6, sensitivity 0.72 and precision 0.9)]. The variant has been reported as of uncertain significance (ClinVar ID: VCV000866532). Therefore, this variant is classified as VUS according to the recommendation of ACMG/AMP guideline.

NM_138393.4(REEP6):c.391G>C (p.Gly131Arg)

Gene: REEP6 (receptor accessory protein 6; plus strand). Cytogenetic location: 19p13.3.
Variant type: single nucleotide variant.
Coding change: c.391G>C on transcript NM_138393.4 (MANE Select); coding-DNA position 391, G replaced by C.
Protein change: p.Gly131Arg; replaces glycine 131 with arginine.
Molecular consequence: missense variant.
Genome position (GRCh38, 1-based): chr19:1,496,327, G>C. VCF-style: chr19-1496327-G-C. GRCh37 (hg19) VCF-style: chr19-1496326-G-C.
Other names: c.391G>C, p.Gly131Arg (NM_001329556.3); short protein forms G131R.
Identifiers: ClinVar variation 4292193 (VCV004292193.1).